The following is an entry in ClinVar:

NM_023067.4(FOXL2):c.579del (p.Lys193fs)

Gene: FOXL2 (forkhead box L2; minus strand). Cytogenetic location: 3q22.3.
Variant type: Deletion.
Coding change: c.579del on transcript NM_023067.4 (MANE Select); coding-DNA position 579, one base deleted (G; older notation c.579delG).
Protein change: p.Lys193fs; shifts the reading frame from lysine 193.
Molecular consequence: frameshift variant.
Genome position (GRCh38, 1-based): chr3:138,946,144, C deleted on the plus strand (G on the coding strand, the reverse complement: FOXL2 is on the minus strand). VCF-style (leftmost placement, unchanged base first): chr3-138946143-AC-A. GRCh37 (hg19) VCF-style: chr3-138664985-AC-A.
Other names: short protein forms K193fs.
Identifiers: ClinVar variation 2018437 (VCV002018437.4), dbSNP rs2473813654, ClinGen allele CA2580068848.

ClinVar aggregate classification (germline): Pathogenic (1 of 4 stars; one submission).

Submission:

Labcorp Genetics (formerly Invitae), Labcorp
Classification: Pathogenic. Last evaluated: 2022-07-20. Review status: criteria provided, single submitter. Criteria: Invitae Variant Classification Sherloc (09022015). Collection method: clinical testing. Allele origin: germline.
Comment: This variant has not been reported in the literature in individuals affected with FOXL2-related conditions. This sequence change creates a premature translational stop signal (p.Lys193Asnfs*78) in the FOXL2 gene. While this is not anticipated to result in nonsense mediated decay, it is expected to disrupt the last 184 amino acid(s) of the FOXL2 protein. This variant is not present in population databases (gnomAD no frequency). This variant disrupts a region of the FOXL2 protein in which other variant(s) (p.Pro307Hisfs*52) have been determined to be pathogenic (PMID: 11468277). This suggests that this is a clinically significant region of the protein, and that variants that disrupt it are likely to be disease-causing. For these reasons, this variant has been classified as Pathogenic.

Literature cited by the submitters: PubMed 11468277.